The following is an entry in ClinVar:

ClinVar aggregate classification (germline): Pathogenic/Likely pathogenic. Review status: criteria provided, multiple submitters, no conflicts (2 of 4 stars). 5 submissions from 5 submitters: Pathogenic (3); Likely pathogenic (2). Last evaluated 2025-10-09.

Conditions:
Hereditary cancer-predisposing syndrome. Also called: Neoplastic Syndromes, Hereditary; Hereditary neoplastic syndrome; Tumor predisposition; Hereditary Cancer Syndrome. Identifiers: Orphanet 140162, MedGen C0027672, MeSH D009386, MONDO:0015356.
Nijmegen breakage syndrome-like disorder (NBSLD). Also called: MICROCEPHALY AND SPONTANEOUS CHROMOSOME INSTABILITY WITHOUT IMMUNODEFICIENCY; NBS-LIKE DISORDER; RAD50 DEFICIENCY. Identifiers: Orphanet 240760, MedGen C2751318, MONDO:0013118, OMIM 613078.

Allele frequency attached by ClinVar (database versions not stated): TOPMed 0.00002.
gnomAD v4.1: 5 of 1,610,372 alleles (0.00031%); highest among the groups gnomAD compares: African/African-American, 0.0013%; no homozygotes.

Submissions (5):

Labcorp Genetics (formerly Invitae), Labcorp
Classification: Pathogenic for Hereditary cancer-predisposing syndrome. Last evaluated: 2025-10-09. Review status: criteria provided, single submitter. Criteria: Invitae Variant Classification Sherloc (09022015). Collection method: clinical testing. Allele origin: germline.
Comment: This sequence change creates a premature translational stop signal (p.Arg656*) in the RAD50 gene. It is expected to result in an absent or disrupted protein product. Loss-of-function variants in RAD50 are known to be pathogenic (PMID: 19409520). This variant is present in population databases (no rsID available, gnomAD 0.003%). This variant has not been reported in the literature in individuals affected with RAD50-related conditions. ClinVar contains an entry for this variant (Variation ID: 240219). For these reasons, this variant has been classified as Pathogenic.

Quest Diagnostics Nichols Institute San Juan Capistrano
Classification: Pathogenic. Last evaluated: 2024-07-29. Review status: criteria provided, single submitter. Criteria: Quest Diagnostics criteria. Collection method: clinical testing. Allele origin: unknown.
Comment: The RAD50 c.1966C>T (p.Arg656*) variant causes the premature termination of RAD50 protein synthesis. This variant has been reported in the published literature in an individual with breast cancer (PMID: 33313162 (2020)). The frequency of this variant in the general population, 0.000008 (2/250726 chromosomes (Genome Aggregation Database)), is consistent with pathogenicity. Based on the available information, this variant is classified as pathogenic.

Baylor Genetics
Classification: Likely pathogenic for Nijmegen breakage syndrome-like disorder. Last evaluated: 2022-03-27. Review status: criteria provided, single submitter. Criteria: ACMG Guidelines, 2015. Collection method: clinical testing. Allele origin: unknown.

Fulgent Genetics
Classification: Likely pathogenic for Nijmegen breakage syndrome-like disorder. Last evaluated: 2022-02-23. Review status: criteria provided, single submitter. Criteria: ACMG Guidelines, 2015. Collection method: clinical testing. Allele origin: unknown.

Ambry Genetics
Classification: Pathogenic for Hereditary cancer-predisposing syndrome. Last evaluated: 2020-01-31. Review status: criteria provided, single submitter. Criteria: Ambry Variant Classification Scheme 2023. Collection method: clinical testing. Allele origin: germline.
Comment: The p.R656* pathogenic mutation (also known as c.1966C>T), located in coding exon 12 of the RAD50 gene, results from a C to T substitution at nucleotide position 1966. This changes the amino acid from an arginine to a stop codon within coding exon 12. This alteration is expected to result in loss of function by premature protein truncation or nonsense-mediated mRNA decay. As such, this alteration is interpreted as a disease-causing mutation.

Literature cited by the submitters: PubMed 19409520 (cited by Labcorp Genetics (formerly Invitae), Labcorp); PubMed 33313162 (cited by Quest Diagnostics Nichols Institute San Juan Capistrano).

NM_005732.4(RAD50):c.1966C>T (p.Arg656Ter)

Gene: RAD50 (RAD50 double strand break repair protein; plus strand). Cytogenetic location: 5q31.1.
Variant type: single nucleotide variant.
Coding change: c.1966C>T on transcript NM_005732.4 (MANE Select); coding-DNA position 1966, C replaced by T.
Protein change: p.Arg656Ter; replaces arginine 656 with a stop codon.
Molecular consequence: nonsense.
Genome position (GRCh38, 1-based): chr5:132,595,041, C>T. VCF-style: chr5-132595041-C-T. GRCh37 (hg19) VCF-style: chr5-131930733-C-T.
Other names: short protein forms R656*.
Identifiers: ClinVar variation 240219 (VCV000240219.16), dbSNP rs749466673, ClinGen allele CA10582381.
Genomic context (GRCh38, chr5:132,595,041, plus strand): 5'-CAGGATTTTGAAAGTGATTTAGACAGGCTTAAAGAGGAAATTGAAAAATCATCAAAACAG[C>T]GAGGTAAGTTGTCTACTTTATATTATCAGGATACTTTGACACCTTTGAATTTTCATTCAC-3'